The following is an entry in ClinVar:

NM_000026.4(ADSL):c.572A>G (p.Asp191Gly)

Gene: ADSL (adenylosuccinate lyase; plus strand). Cytogenetic location: 22q13.1.
Variant type: single nucleotide variant.
Coding change: c.572A>G on transcript NM_000026.4 (MANE Select); coding-DNA position 572, A replaced by G.
Protein change: p.Asp191Gly; replaces aspartic acid 191 with glycine.
Molecular consequence: missense variant. On other transcripts: non-coding transcript variant (1).
Genome position (GRCh38, 1-based): chr22:40,358,953, A>G. VCF-style: chr22-40358953-A-G. GRCh37 (hg19) VCF-style: chr22-40754957-A-G.
Other names: c.572A>G, p.Asp191Gly (NM_001123378.3, NM_001363840.3, NM_001410812.1 and 1 more transcripts); c.380A>G, p.Asp127Gly (NM_001317923.2); c.527A>G, p.Asp176Gly (NM_001410814.1); short protein forms D176G, D191G, D127G.
Identifiers: ClinVar variation 2003014 (VCV002003014.4), dbSNP rs2518111993, ClinGen allele CA411640989.

ClinVar aggregate classification (germline): Uncertain significance (1 of 4 stars; one submission).

Conditions:
Adenylosuccinate lyase deficiency (ADSLD). Also called: ADSL DEFICIENCY. Identifiers: Orphanet 46, MedGen C0268126, MONDO:0007068, OMIM 103050.

Submission:

Labcorp Genetics (formerly Invitae), Labcorp
Classification: Uncertain significance for Adenylosuccinate lyase deficiency. Last evaluated: 2022-11-01. Review status: criteria provided, single submitter. Criteria: Invitae Variant Classification Sherloc (09022015). Collection method: clinical testing. Allele origin: germline.
Comment: This variant has not been reported in the literature in individuals affected with ADSL-related conditions. This variant is not present in population databases (gnomAD no frequency). This sequence change replaces aspartic acid, which is acidic and polar, with glycine, which is neutral and non-polar, at codon 191 of the ADSL protein (p.Asp191Gly). Advanced modeling of protein sequence and biophysical properties (such as structural, functional, and spatial information, amino acid conservation, physicochemical variation, residue mobility, and thermodynamic stability) has been performed at Invitae for this missense variant, however the output from this modeling did not meet the statistical confidence thresholds required to predict the impact of this variant on ADSL protein function. In summary, the available evidence is currently insufficient to determine the role of this variant in disease. Therefore, it has been classified as a Variant of Uncertain Significance. Algorithms developed to predict the effect of sequence changes on RNA splicing suggest that this variant may create or strengthen a splice site.